The following is an entry in ClinVar:

NM_016239.4(MYO15A):c.9542A>G (p.Asn3181Ser)

Gene: MYO15A (myosin XVA; plus strand). Cytogenetic location: 17p11.2.
Variant type: single nucleotide variant.
Coding change: c.9542A>G on transcript NM_016239.4 (MANE Select); coding-DNA position 9542, A replaced by G.
Protein change: p.Asn3181Ser; replaces asparagine 3181 with serine.
Molecular consequence: missense variant.
Genome position (GRCh38, 1-based): chr17:18,162,609, A>G. VCF-style: chr17-18162609-A-G. GRCh37 (hg19) VCF-style: chr17-18065923-A-G.
Other names: short protein forms N3181S.
Identifiers: ClinVar variation 1450346 (VCV001450346.6), dbSNP rs2046792872, ClinGen allele CA398638062.

ClinVar aggregate classification (germline): Uncertain significance (1 of 4 stars; one submission).

Allele frequency attached by ClinVar (database versions not stated): gnomAD 0.00001.
gnomAD v4.1: 1 of 1,613,938 alleles (0.000062%); highest among the groups gnomAD compares: African/African-American, 0.0013%; no homozygotes.

Submission:

Labcorp Genetics (formerly Invitae), Labcorp
Classification: Uncertain significance. Last evaluated: 2024-10-29. Review status: criteria provided, single submitter. Criteria: Invitae Variant Classification Sherloc (09022015). Collection method: clinical testing. Allele origin: germline.
Comment: This sequence change replaces asparagine, which is neutral and polar, with serine, which is neutral and polar, at codon 3181 of the MYO15A protein (p.Asn3181Ser). This variant is not present in population databases (gnomAD no frequency). This variant has not been reported in the literature in individuals affected with MYO15A-related conditions. ClinVar contains an entry for this variant (Variation ID: 1450346). Invitae Evidence Modeling of protein sequence and biophysical properties (such as structural, functional, and spatial information, amino acid conservation, physicochemical variation, residue mobility, and thermodynamic stability) has been performed for this missense variant. However, the output from this modeling did not meet the statistical confidence thresholds required to predict the impact of this variant on MYO15A protein function. In summary, the available evidence is currently insufficient to determine the role of this variant in disease. Therefore, it has been classified as a Variant of Uncertain Significance.